The following is an entry in ClinVar:

ClinVar aggregate classification (germline): Likely benign. Review status: criteria provided, multiple submitters, no conflicts (2 of 4 stars). 2 submissions from 2 submitters: Likely benign (2). Last evaluated 2024-04-22.

Conditions:
Ataxia-telangiectasia syndrome (AT). Also called: ATAXIA-TELANGIECTASIA, COMPLEMENTATION GROUP A; ATAXIA-TELANGIECTASIA, FRESNO VARIANT; Ataxia-telangiectasia, complementation group E; Ataxia telangiectasia (A-T); Ataxia-telangiectasia, complementation group D; AT, COMPLEMENTATION GROUP C. Identifiers: Orphanet 100, MedGen C0004135, MONDO:0008840, OMIM 208900.
Familial cancer of breast. Also called: hereditary breast carcinoma; BREAST CANCER, FAMILIAL; Hereditary breast cancer. Identifiers: Orphanet 227535, MedGen C0346153, MONDO:0016419, OMIM 114480. Disease mechanism: loss of function.

Submissions (2):

Myriad Genetics, Inc.
Classification: Likely benign for Familial cancer of breast. Last evaluated: 2024-04-22. Review status: criteria provided, single submitter. Criteria: Myriad Autosomal Dominant, Autosomal Recessive and X-Linked Classification Criteria (2023). Collection method: clinical testing. Allele origin: unknown.
Comment: This variant is considered likely benign. This variant is intronic and is not expected to impact mRNA splicing.

Labcorp Genetics (formerly Invitae), Labcorp
Classification: Likely benign for Ataxia-telangiectasia syndrome. Last evaluated: 2020-11-17. Review status: criteria provided, single submitter. Criteria: Invitae Variant Classification Sherloc (09022015). Collection method: clinical testing. Allele origin: germline.

NM_000051.4(ATM):c.663-10T>C

Gene: ATM (ATM serine/threonine kinase; plus strand). Cytogenetic location: 11q22.3.
Variant type: single nucleotide variant.
Coding change: c.663-10T>C on transcript NM_000051.4 (MANE Select); 10 bases into the intron before coding-DNA position 663, T replaced by C.
Molecular consequence: intron variant.
Genome position (GRCh38, 1-based): chr11:108,244,778, T>C. VCF-style: chr11-108244778-T-C. GRCh37 (hg19) VCF-style: chr11-108115505-T-C.
Other names: c.663-10T>C (NM_001351834.2).
Identifiers: ClinVar variation 1652781 (VCV001652781.9), dbSNP rs2135236361, ClinGen allele CA2573146451.